The following is an entry in ClinVar:

NM_001569.4(IRAK1):c.1104C>T (p.Ala368=)

Gene: IRAK1 (interleukin 1 receptor associated kinase 1; minus strand). Cytogenetic location: Xq28.
Variant type: single nucleotide variant.
Coding change: c.1104C>T on transcript NM_001569.4 (MANE Select); coding-DNA position 1104, C replaced by T.
Protein change: p.Ala368=; no amino-acid change (alanine 368 retained).
Molecular consequence: synonymous variant.
Genome position (GRCh38, 1-based): chrX:154,016,569, G>A on the plus strand (C>T on the coding strand, the complement: IRAK1 is on the minus strand). VCF-style: chrX-154016569-G-A. GRCh37 (hg19) VCF-style: chrX-153282020-G-A.
Other names: c.1104C>T, p.Ala368= (NM_001025242.2, NM_001025243.2).
Identifiers: ClinVar variation 770829 (VCV000770829.9), dbSNP rs11556424, ClinGen allele CA10558186.

ClinVar aggregate classification (germline): Benign/Likely benign. Review status: criteria provided, multiple submitters, no conflicts (2 of 4 stars). 6 submissions from 6 submitters: Benign (2); Likely benign (1). 3 of the submissions do not count toward it. Last evaluated 2024-11-22.

Conditions:
IRAK1-related disorder. Also called: IRAK1-related condition.

Allele frequency attached by ClinVar (database versions not stated): gnomAD exomes 0.00200; ExAC 0.00209; gnomAD 0.00229 and 0.00236; ESP Exome Variant Server 0.00322; 1000 Genomes Project 0.00053; 1000 Genomes Project 30x 0.00062; TOPMed 0.00168.

Submissions (6):

Blueprint Genetics
Classification: Likely benign. Last evaluated: 2024-11-22. Review status: criteria provided, single submitter. Criteria: ACMG Guidelines, 2015. Collection method: clinical testing. Allele origin: germline.

Labcorp Genetics (formerly Invitae), Labcorp
Classification: Benign. Last evaluated: 2018-05-04. Review status: criteria provided, single submitter. Criteria: Invitae Variant Classification Sherloc (09022015). Collection method: clinical testing. Allele origin: germline.

Breakthrough Genomics
Classification: Benign. Review status: criteria provided, single submitter. Criteria: ACMG Guidelines, 2015. Collection method: not provided. Allele origin: germline. Inheritance: Unknown mechanism. Affected: yes.

PreventionGenetics, part of Exact Sciences
Classification: Likely benign for IRAK1-related condition. Last evaluated: 2019-11-01. Review status: no assertion criteria provided. Collection method: clinical testing. Allele origin: germline. Not counted in ClinVar's aggregate classification.
Comment: This variant is classified as likely benign based on ACMG/AMP sequence variant interpretation guidelines (Richards et al. 2015 PMID: 25741868, with internal and published modifications).

Clinical Genetics DNA and cytogenetics Diagnostics Lab, Erasmus MC, Erasmus Medical Center
Classification: Likely benign. Review status: no assertion criteria provided. Collection method: clinical testing. Allele origin: germline. Affected: yes. Study: VKGL Data-share Consensus. Not counted in ClinVar's aggregate classification.

Genome Diagnostics Laboratory, University Medical Center Utrecht
Classification: Likely benign. Review status: no assertion criteria provided. Collection method: clinical testing. Allele origin: germline. Affected: yes. Study: VKGL Data-share Consensus. Not counted in ClinVar's aggregate classification.